The following is an entry in ClinVar:

NM_032119.4(ADGRV1):c.9185-3C>A

Gene: ADGRV1 (adhesion G protein-coupled receptor V1; plus strand). Cytogenetic location: 5q14.3.
Variant type: single nucleotide variant.
Coding change: c.9185-3C>A on transcript NM_032119.4 (MANE Select); 3 bases into the intron before coding-DNA position 9185, C replaced by A.
Molecular consequence: intron variant.
Genome position (GRCh38, 1-based): chr5:90,716,464, C>A. VCF-style: chr5-90716464-C-A. GRCh37 (hg19) VCF-style: chr5-90012281-C-A.
Identifiers: ClinVar variation 1042448 (VCV001042448.6), dbSNP rs1403921758, ClinGen allele CA560900613.

ClinVar aggregate classification (germline): Uncertain significance. Review status: criteria provided, multiple submitters, no conflicts (2 of 4 stars). 3 submissions from 3 submitters: Uncertain significance (3). Last evaluated 2022-06-20.

Allele frequency attached by ClinVar (database versions not stated): TOPMed below 0.00001; gnomAD 0.00001.
gnomAD v4.1: 3 of 1,522,408 alleles (0.0002%); highest among the groups gnomAD compares: Non-Finnish European, 0.00026%; no homozygotes.

Submissions (3):

Labcorp Genetics (formerly Invitae), Labcorp
Classification: Uncertain significance. Last evaluated: 2022-06-20. Review status: criteria provided, single submitter. Criteria: Invitae Variant Classification Sherloc (09022015). Collection method: clinical testing. Allele origin: germline.
Comment: This sequence change falls in intron 42 of the ADGRV1 gene. It does not directly change the encoded amino acid sequence of the ADGRV1 protein. It affects a nucleotide within the consensus splice site. This variant is not present in population databases (gnomAD no frequency). This variant has not been reported in the literature in individuals affected with ADGRV1-related conditions. ClinVar contains an entry for this variant (Variation ID: 1042448). Variants that disrupt the consensus splice site are a relatively common cause of aberrant splicing (PMID: 17576681, 9536098). Algorithms developed to predict the effect of sequence changes on RNA splicing suggest that this variant may disrupt the consensus splice site. In summary, the available evidence is currently insufficient to determine the role of this variant in disease. Therefore, it has been classified as a Variant of Uncertain Significance.

GeneDx
Classification: Uncertain significance. Last evaluated: 2021-04-21. Review status: criteria provided, single submitter. Criteria: GeneDx Variant Classification Process June 2021. Collection method: clinical testing. Allele origin: germline. Affected: yes.
Comment: Has not been previously published as pathogenic or benign to our knowledge; In-silico analysis, which includes splice predictors and evolutionary conservation, is inconclusive as to whether the variant alters gene splicing. In the absence of RNA/functional studies, the actual effect of this sequence change is unknown.

Blueprint Genetics
Classification: Uncertain significance. Last evaluated: 2019-01-08. Review status: criteria provided, single submitter. Criteria: ACMG Guidelines, 2015. Collection method: clinical testing. Allele origin: germline.

Literature cited by the submitters: PubMed 17576681 (cited by Labcorp Genetics (formerly Invitae), Labcorp); PubMed 9536098 (cited by Labcorp Genetics (formerly Invitae), Labcorp).